The following is an entry in ClinVar:

ClinVar aggregate classification (germline): Conflicting classifications of pathogenicity. Review status: criteria provided, conflicting classifications (1 of 4 stars). 3 submissions from 3 submitters: Likely pathogenic (1); Uncertain significance (2). Last evaluated 2024-02-17.

Conditions:
Mucopolysaccharidosis type 6 (MPS6). Also called: ARSB DEFICIENCY; ARYLSULFATASE B DEFICIENCY; N-ACETYLGALACTOSAMINE-4-SULFATASE DEFICIENCY; MPS 6; Maroteaux Lamy syndrome; MPS VI. Identifiers: Orphanet 583, MedGen C0026709, MONDO:0009661, OMIM 253200.

Submissions (3):

Baylor Genetics
Classification: Likely pathogenic for Mucopolysaccharidosis type 6. Last evaluated: 2024-02-17. Review status: criteria provided, single submitter. Criteria: ACMG Guidelines, 2015. Collection method: clinical testing. Allele origin: unknown.

Revvity Omics, Revvity
Classification: Uncertain significance for Mucopolysaccharidosis type 6. Last evaluated: 2024-01-18. Review status: criteria provided, single submitter. Criteria: ACMG Guidelines, 2015. Collection method: clinical testing. Allele origin: germline.

Labcorp Genetics (formerly Invitae), Labcorp
Classification: Uncertain significance for Mucopolysaccharidosis type 6. Last evaluated: 2022-07-15. Review status: criteria provided, single submitter. Criteria: Invitae Variant Classification Sherloc (09022015). Collection method: clinical testing. Allele origin: germline.
Comment: This sequence change replaces glycine, which is neutral and non-polar, with proline, which is neutral and non-polar, at codon 302 of the ARSB protein (p.Gly302Pro). The frequency data for this variant in the population databases is considered unreliable, as metrics indicate poor data quality at this position in the gnomAD database. This missense change has been observed in individual(s) with mucopolysaccharidosis type VI (Invitae). ClinVar contains an entry for this variant (Variation ID: 1448834). Algorithms developed to predict the effect of missense changes on protein structure and function are either unavailable or do not agree on the potential impact of this missense change (SIFT: "Not Available"; PolyPhen-2: "Probably Damaging"; Align-GVGD: "Not Available"). This variant disrupts the p.Gly302 amino acid residue in ARSB. Other variant(s) that disrupt this residue have been determined to be pathogenic (PMID: 10206678, 17161971, 31009684). This suggests that this residue is clinically significant, and that variants that disrupt this residue are likely to be disease-causing. In summary, the available evidence is currently insufficient to determine the role of this variant in disease. Therefore, it has been classified as a Variant of Uncertain Significance.

Literature cited by the submitters: PubMed 10206678 (cited by Labcorp Genetics (formerly Invitae), Labcorp); PubMed 17161971 (cited by Labcorp Genetics (formerly Invitae), Labcorp); PubMed 31009684 (cited by Labcorp Genetics (formerly Invitae), Labcorp).

NM_000046.5(ARSB):c.904_905inv (p.Gly302Pro)

Gene: ARSB (arylsulfatase B; minus strand). Cytogenetic location: 5q14.1.
Variant type: Inversion.
Coding change: c.904_905inv on transcript NM_000046.5 (MANE Select).
Protein change: p.Gly302Pro; replaces glycine 302 with proline.
Molecular consequence: missense variant.
Genome position: GRCh38 VCF-style: chr5-78885821-CC-GG. GRCh37 (hg19) VCF-style: chr5-78181644-CC-GG.
Other names: c.904_905inv, p.Gly302Pro (NM_198709.3); c.904_905inv (NM_000046.3); c.904_905delinsCC (NM_000046.5); short protein forms G302P.
Identifiers: ClinVar variation 1448834 (VCV001448834.8), ClinGen allele CA445217281.